The following is an entry in ClinVar:

NM_000179.3(MSH6):c.479A>G (p.Gln160Arg)

Gene: MSH6 (mutS homolog 6; plus strand). Cytogenetic location: 2p16.3.
Variant type: single nucleotide variant.
Coding change: c.479A>G on transcript NM_000179.3 (MANE Select); coding-DNA position 479, A replaced by G.
Protein change: p.Gln160Arg; replaces glutamine 160 with arginine.
Molecular consequence: missense variant. On other transcripts: 5 prime UTR variant (1), intron variant (2).
Genome position (GRCh38, 1-based): chr2:47,795,915, A>G. VCF-style: chr2-47795915-A-G. GRCh37 (hg19) VCF-style: chr2-48023054-A-G.
Other names: c.-424A>G (NM_001281494.2); c.-279-2696A>G (NM_001281493.2); c.238-2696A>G (NM_001281492.2); short protein forms Q160R.
Identifiers: ClinVar variation 653496 (VCV000653496.9), dbSNP rs1553411397, ClinGen allele CA346738602.

ClinVar aggregate classification (germline): Uncertain significance. Review status: criteria provided, multiple submitters, no conflicts (2 of 4 stars). 2 submissions from 2 submitters: Uncertain significance (2). Last evaluated 2025-12-10.

Conditions:
Hereditary nonpolyposis colorectal neoplasms. Identifiers: MedGen C0009405, MeSH D003123.
Hereditary cancer-predisposing syndrome. Also called: Neoplastic Syndromes, Hereditary; Tumor predisposition; Hereditary Cancer Syndrome; Hereditary neoplastic syndrome. Identifiers: Orphanet 140162, MedGen C0027672, MeSH D009386, MONDO:0015356.

Submissions (2):

Labcorp Genetics (formerly Invitae), Labcorp
Classification: Uncertain significance for Hereditary nonpolyposis colorectal neoplasms. Last evaluated: 2025-12-10. Review status: criteria provided, single submitter. Criteria: Invitae Variant Classification Sherloc (09022015). Collection method: clinical testing. Allele origin: germline.
Comment: This sequence change replaces glutamine, which is neutral and polar, with arginine, which is basic and polar, at codon 160 of the MSH6 protein (p.Gln160Arg). This variant is not present in population databases (gnomAD no frequency). This variant has not been reported in the literature in individuals affected with MSH6-related conditions. ClinVar contains an entry for this variant (Variation ID: 653496). Invitae Evidence Modeling of protein sequence and biophysical properties (such as structural, functional, and spatial information, amino acid conservation, physicochemical variation, residue mobility, and thermodynamic stability) indicates that this missense variant is not expected to disrupt MSH6 protein function with a negative predictive value of 95%. In summary, the available evidence is currently insufficient to determine the role of this variant in disease. Therefore, it has been classified as a Variant of Uncertain Significance.

Ambry Genetics
Classification: Uncertain significance for Hereditary cancer-predisposing syndrome. Last evaluated: 2023-01-26. Review status: criteria provided, single submitter. Criteria: Ambry Variant Classification Scheme 2023. Collection method: clinical testing. Allele origin: germline.
Comment: The p.Q160R variant (also known as c.479A>G), located in coding exon 3 of the MSH6 gene, results from an A to G substitution at nucleotide position 479. The glutamine at codon 160 is replaced by arginine, an amino acid with highly similar properties. This amino acid position is conserved. In addition, this alteration is predicted to be tolerated by in silico analysis. Since supporting evidence is limited at this time, the clinical significance of this alteration remains unclear.